The following is an entry in ClinVar:

NM_000256.3(MYBPC3):c.104G>T (p.Arg35Leu)

Gene: MYBPC3 (myosin binding protein C3; minus strand). Cytogenetic location: 11p11.2.
Variant type: single nucleotide variant.
Coding change: c.104G>T on transcript NM_000256.3 (MANE Select); coding-DNA position 104, G replaced by T.
Protein change: p.Arg35Leu; replaces arginine 35 with leucine.
Molecular consequence: missense variant.
Genome position (GRCh38, 1-based): chr11:47,351,427, C>A on the plus strand (G>T on the coding strand, the complement: MYBPC3 is on the minus strand). VCF-style: chr11-47351427-C-A. GRCh37 (hg19) VCF-style: chr11-47372978-C-A.
Other names: short protein forms R35L.
Identifiers: ClinVar variation 1776707 (VCV001776707.3), dbSNP rs397515885, ClinGen allele CA380341918.

ClinVar aggregate classification (germline): Uncertain significance (1 of 4 stars; one submission).

Conditions:
Cardiovascular phenotype. Identifiers: MedGen CN230736.

Submission:

Ambry Genetics
Classification: Uncertain significance for Cardiovascular phenotype. Last evaluated: 2022-04-19. Review status: criteria provided, single submitter. Criteria: Ambry Variant Classification Scheme 2023. Collection method: clinical testing. Allele origin: germline.
Comment: The p.R35L variant (also known as c.104G>T), located in coding exon 2 of the MYBPC3 gene, results from a G to T substitution at nucleotide position 104. The arginine at codon 35 is replaced by leucine, an amino acid with dissimilar properties. This amino acid position is conserved. In addition, this alteration is predicted to be tolerated by in silico analysis. Since supporting evidence is limited at this time, the clinical significance of this alteration remains unclear.